The following is an entry in ClinVar:

ClinVar aggregate classification (germline): Pathogenic (3 of 4 stars; one submission).

Conditions:
Breast-ovarian cancer, familial, susceptibility to, 1 (BROVCA1). Also called: BRCA1 Hereditary Breast and Ovarian Cancer; OVARIAN CANCER, SUSCEPTIBILITY TO. Identifiers: Orphanet 145, MedGen C2676676, MONDO:0011450, OMIM 604370. Disease mechanism: loss of function.

Submission:

Evidence-based Network for the Interpretation of Germline Mutant Alleles (ENIGMA)
Classification: Pathogenic for Breast-ovarian cancer, familial, susceptibility to, 1. Last evaluated: 2016-09-08. Review status: reviewed by expert panel. Criteria: ENIGMA BRCA1/2 Classification Criteria (2015). Collection method: curation. Allele origin: germline.
Comment: Variant allele predicted to encode a truncated non-functional protein.

NM_007294.4(BRCA1):c.3015del (p.Glu1005fs)

Gene: BRCA1 (BRCA1 DNA repair associated; minus strand). Cytogenetic location: 17q21.31.
Variant type: Deletion.
Coding change: c.3015del on transcript NM_007294.4 (MANE Select); coding-DNA position 3015, one base deleted (A; older notation c.3015delA).
Protein change: p.Glu1005fs; shifts the reading frame from glutamic acid 1005.
Molecular consequence: frameshift variant. On other transcripts: intron variant (137).
Genome position (GRCh38, 1-based): chr17:43,092,516, T deleted on the plus strand (A on the coding strand, the reverse complement: BRCA1 is on the minus strand); the first of 2 consecutive T bases (chr17:43,092,516-43,092,517); deleting either gives the same sequence. VCF-style (leftmost placement, unchanged base first): chr17-43092515-GT-G. GRCh37 (hg19) VCF-style: chr17-41244532-GT-G.
Other names: c.3015delA (NM_007294.3); c.2802del, p.Glu934fs (NM_001407571.1, NM_001407853.1, NM_001407894.1 and 9 more transcripts); c.3015del, p.Glu1005fs (NM_001407581.1, NM_001407582.1, NM_001407583.1 and 30 more transcripts); c.3012del, p.Glu1004fs (NM_001407587.1, NM_001407590.1, NM_001407591.1 and 22 more transcripts); c.3006del, p.Glu1002fs (NM_001407646.1, NM_001407647.1); c.2892del, p.Glu964fs (NM_001407648.1, NM_001407664.1, NM_001407665.1 and 19 more transcripts); c.2889del, p.Glu963fs (NM_001407649.1, NM_001407670.1, NM_001407671.1 and 11 more transcripts); c.2937del, p.Glu979fs (NM_001407653.1, NM_001407654.1, NM_001407655.1 and 4 more transcripts); and 42 more; short protein forms E958fs, E1005fs, E1002fs, E1004fs, E877fs, E964fs, E878fs, E916fs.
Identifiers: ClinVar variation 254423 (VCV000254423.3), dbSNP rs886038008, ClinGen allele CA10586635.
Genomic context (GRCh38, chr17:43,092,515, plus strand): 5'-TTGTGCTCACTGTACTTGGAATGTTCTCATTTCCCATTTCTCTTTCAGGTGACATTGAAT[GT>G]TCCTCAAAGTTTTCCTCTAGCAGATTTTTCTTACATTTAGTTTTAACAAATGACTTGATG-3'